The following is an entry in ClinVar:

NM_001365951.3(KIF1B):c.4779C>G (p.Phe1593Leu)

Gene: KIF1B (kinesin family member 1B; plus strand). Cytogenetic location: 1p36.22.
Variant type: single nucleotide variant.
Coding change: c.4779C>G on transcript NM_001365951.3 (MANE Select); coding-DNA position 4779, C replaced by G.
Protein change: p.Phe1593Leu; replaces phenylalanine 1593 with leucine.
Molecular consequence: missense variant.
Genome position (GRCh38, 1-based): chr1:10,368,493, C>G. VCF-style: chr1-10368493-C-G. GRCh37 (hg19) VCF-style: chr1-10428551-C-G.
Other names: c.4779C>G, p.Phe1593Leu (NM_001365952.1); c.4641C>G, p.Phe1547Leu (NM_015074.3); short protein forms F1547L, F1593L.
Identifiers: ClinVar variation 1742112 (VCV001742112.3), dbSNP rs766475937, ClinGen allele CA582176.

ClinVar aggregate classification (germline): Uncertain significance (1 of 4 stars; one submission).

gnomAD v4.1: 33 of 1,613,946 alleles (0.002%); highest among the groups gnomAD compares: Non-Finnish European, 0.0025%; no homozygotes.

Submission:

Ambry Genetics
Classification: Uncertain significance. Last evaluated: 2025-11-24. Review status: criteria provided, single submitter. Criteria: Ambry Variant Classification Scheme 2023. Collection method: clinical testing. Allele origin: germline.
Comment: The p.F1547L variant (also known as c.4641C>G), located in coding exon 41 of the KIF1B gene, results from a C to G substitution at nucleotide position 4641. The phenylalanine at codon 1547 is replaced by leucine, an amino acid with highly similar properties. This amino acid position is conserved. In addition, the in silico prediction for this alteration is inconclusive. Since supporting evidence is limited at this time, the clinical significance of this alteration remains unclear.